The following is an entry in ClinVar:

ClinVar aggregate classification (germline): Uncertain significance (1 of 4 stars; one submission).

Conditions:
Epidermolysis bullosa simplex 5B, with muscular dystrophy (EBS5B). Also called: EPIDERMOLYSIS BULLOSA SIMPLEX AND LIMB-GIRDLE MUSCULAR DYSTROPHY; Epidermolysis bullosa simplex with muscular dystrophy. Identifiers: Orphanet 257, MedGen C2931072, MONDO:0009181, OMIM 226670.
Epidermolysis bullosa simplex, Ogna type (EBS5A). Also called: EPIDERMOLYSIS BULLOSA SIMPLEX 5A, OGNA TYPE; Pidermolysis bullosa simplex 5A, Ogna type. Identifiers: Orphanet 79401, MedGen C0432317, MONDO:0007555, OMIM 131950.
Epidermolysis bullosa simplex with nail dystrophy (EBS5D). Identifiers: MedGen C4225309, MONDO:0014661, OMIM 616487.
Autosomal recessive limb-girdle muscular dystrophy type 2Q (LGMDR17). Also called: MUSCULAR DYSTROPHY, LIMB-GIRDLE, AUTOSOMAL RECESSIVE 17. Identifiers: Orphanet 254361, MedGen C3150989, MONDO:0013390, OMIM 613723.
Epidermolysis bullosa simplex 5C, with pyloric atresia (EBS5C). Also called: Epidermolysis bullosa simplex with pyloric atresia; PLEC-Related Epidermolysis Bullosa with Pyloric Atresia; PLEC1-Related Epidermolysis Bullosa with Pyloric Atresia. Identifiers: Orphanet 158684, MedGen C2677349, MONDO:0012807, OMIM 612138.

gnomAD v4.1: 2 of 1,570,100 alleles (0.00013%); highest among the groups gnomAD compares: Non-Finnish European, 0.00017%; no homozygotes.

Submission:

Labcorp Genetics (formerly Invitae), Labcorp
Classification: Uncertain significance for Autosomal recessive limb-girdle muscular dystrophy type 2Q; Epidermolysis bullosa simplex, Ogna type; Epidermolysis bullosa simplex with nail dystrophy; Epidermolysis bullosa simplex 5C, with pyloric atresia; Epidermolysis bullosa simplex 5B, with muscular dystrophy. Last evaluated: 2021-05-06. Review status: criteria provided, single submitter. Criteria: Invitae Variant Classification Sherloc (09022015). Collection method: clinical testing. Allele origin: germline.
Comment: This sequence change replaces glutamic acid with aspartic acid at codon 1567 of the PLEC protein (p.Glu1567Asp). The glutamic acid residue is moderately conserved and there is a small physicochemical difference between glutamic acid and aspartic acid. This variant is not present in population databases (ExAC no frequency). This variant has not been reported in the literature in individuals with PLEC-related conditions. Algorithms developed to predict the effect of missense changes on protein structure and function are either unavailable or do not agree on the potential impact of this missense change (SIFT: "Tolerated"; PolyPhen-2: "Not Available"; Align-GVGD: "Class C0"). In summary, the available evidence is currently insufficient to determine the role of this variant in disease. Therefore, it has been classified as a Variant of Uncertain Significance.

NM_201384.3(PLEC):c.4620G>C (p.Glu1540Asp)

Gene: PLEC (plectin; minus strand). Cytogenetic location: 8q24.3.
Variant type: single nucleotide variant.
Coding change: c.4620G>C on transcript NM_201384.3 (MANE Select); coding-DNA position 4620, G replaced by C.
Protein change: p.Glu1540Asp; replaces glutamic acid 1540 with aspartic acid.
Molecular consequence: missense variant.
Genome position (GRCh38, 1-based): chr8:143,925,309, C>G on the plus strand (G>C on the coding strand, the complement: PLEC is on the minus strand). VCF-style: chr8-143925309-C-G. GRCh37 (hg19) VCF-style: chr8-144999477-C-G.
Other names: c.4524G>C, p.Glu1508Asp (NM_201381.3); c.4620G>C, p.Glu1540Asp (NM_201382.4); c.4632G>C, p.Glu1544Asp (NM_201383.3); c.4701G>C, p.Glu1567Asp (NM_000445.5); c.4578G>C, p.Glu1526Asp (NM_201378.4); c.4554G>C, p.Glu1518Asp (NM_201379.3); c.5031G>C, p.Glu1677Asp (NM_201380.4); short protein forms E1518D, E1526D, E1677D, E1508D, E1540D, E1544D, E1567D.
Identifiers: ClinVar variation 1417514 (VCV001417514.8), dbSNP rs1554701903, ClinGen allele CA372554648.